The following is an entry in ClinVar:

ClinVar aggregate classification (germline): Uncertain significance (1 of 4 stars; one submission).

Submission:

GeneDx
Classification: Uncertain significance. Last evaluated: 2019-11-15. Review status: criteria provided, single submitter. Criteria: GeneDx Variant Classification Process June 2021. Collection method: clinical testing. Allele origin: germline. Affected: yes.
Comment: Not observed in large population cohorts (Lek et al., 2016); In silico analysis, which includes protein predictors and evolutionary conservation, supports that this variant does not alter protein structure/function; Has not been previously published as pathogenic or benign to our knowledge

NM_002637.4(PHKA1):c.2060A>T (p.Asp687Val)

Gene: PHKA1 (phosphorylase kinase regulatory subunit alpha 1; minus strand). Cytogenetic location: Xq13.1.
Variant type: single nucleotide variant.
Coding change: c.2060A>T on transcript NM_002637.4 (MANE Select); coding-DNA position 2060, A replaced by T.
Protein change: p.Asp687Val; replaces aspartic acid 687 with valine.
Molecular consequence: missense variant. On other transcripts: intron variant (1).
Genome position (GRCh38, 1-based): chrX:72,620,802, T>A on the plus strand (A>T on the coding strand, the complement: PHKA1 is on the minus strand). VCF-style: chrX-72620802-T-A. GRCh37 (hg19) VCF-style: chrX-71840652-T-A.
Other names: c.2060A>T, p.Asp687Val (NM_001122670.2); c.1961-1497A>T (NM_001172436.2); short protein forms D687V.
Identifiers: ClinVar variation 451023 (VCV000451023.3), dbSNP rs145394237, ClinGen allele CA413591053.
Genomic context (GRCh38, chrX:72,620,802, plus strand): 5'-TTGGCCTTGGTCACCAAGGACATTAAGTCGCAGGTTGTTTGCACAGCAGCTTGGAACCGA[T>A]CTAGCCCTCCCTTCTGTGAGGTAGGGGCTAGTTTAGGATGGGGAGCAGTGTGCGCCAAAA-3'
Protein context (NP_002628.2, residues 677-697): LAPTSQKGGL[Asp687Val]RFQAAVQTTC